The following is an entry in ClinVar:

ClinVar aggregate classification (germline): Uncertain significance (1 of 4 stars; one submission).

Conditions:
Norman-Roberts syndrome (LIS2). Also called: Lissencephaly 2 (Norman-Roberts type). Identifiers: Orphanet 89844, MedGen C0796089, MONDO:0009760, OMIM 257320.
Familial temporal lobe epilepsy 7. Identifiers: Orphanet 101046, MedGen C4225327, MONDO:0014639, OMIM 616436.

Submission:

Labcorp Genetics (formerly Invitae), Labcorp
Classification: Uncertain significance for Familial temporal lobe epilepsy 7; Norman-Roberts syndrome. Last evaluated: 2025-06-09. Review status: criteria provided, single submitter. Criteria: Invitae Variant Classification Sherloc (09022015). Collection method: clinical testing. Allele origin: germline.
Comment: This sequence change replaces leucine, which is neutral and non-polar, with valine, which is neutral and non-polar, at codon 333 of the RELN protein (p.Leu333Val). This variant is not present in population databases (gnomAD no frequency). This variant has not been reported in the literature in individuals affected with RELN-related conditions. ClinVar contains an entry for this variant (Variation ID: 1511060). Invitae Evidence Modeling of protein sequence and biophysical properties (such as structural, functional, and spatial information, amino acid conservation, physicochemical variation, residue mobility, and thermodynamic stability) indicates that this missense variant is not expected to disrupt RELN protein function with a negative predictive value of 80%. In summary, the available evidence is currently insufficient to determine the role of this variant in disease. Therefore, it has been classified as a Variant of Uncertain Significance.

NM_005045.4(RELN):c.997C>G (p.Leu333Val)

Gene: RELN (reelin; minus strand). Cytogenetic location: 7q22.1.
Variant type: single nucleotide variant.
Coding change: c.997C>G on transcript NM_005045.4 (MANE Select); coding-DNA position 997, C replaced by G.
Protein change: p.Leu333Val; replaces leucine 333 with valine.
Molecular consequence: missense variant.
Genome position (GRCh38, 1-based): chr7:103,697,999, G>C on the plus strand (C>G on the coding strand, the complement: RELN is on the minus strand). VCF-style: chr7-103697999-G-C. GRCh37 (hg19) VCF-style: chr7-103338446-G-C.
Other names: c.997C>G, p.Leu333Val (NM_173054.3); short protein forms L333V.
Identifiers: ClinVar variation 1511060 (VCV001511060.8), dbSNP rs1219491053, ClinGen allele CA368927710.